The following is an entry in ClinVar:

ClinVar aggregate classification (germline): Pathogenic (1 of 4 stars; one submission).

Conditions:
Multiple congenital exostosis (EXT). Also called: Multiple exostoses; Hereditary multiple exostoses; Hereditary multiple exostosis; Hereditary multiple osteochondromas; MULTIPLE CARTILAGINOUS EXOSTOSES; Multiple osteochondromas. Identifiers: Orphanet 321, MedGen C0015306, MONDO:0005508, HP:0002762.

Submission:

Labcorp Genetics (formerly Invitae), Labcorp
Classification: Pathogenic for Multiple congenital exostosis. Last evaluated: 2019-08-22. Review status: criteria provided, single submitter. Criteria: Invitae Variant Classification Sherloc (09022015). Collection method: clinical testing. Allele origin: germline.
Comment: This sequence change creates a premature translational stop signal (p.Lys321*) in the EXT1 gene. It is expected to result in an absent or disrupted protein product. This variant is not present in population databases (ExAC no frequency). This variant has not been reported in the literature in individuals with EXT1-related conditions. Algorithms developed to predict the effect of sequence changes on RNA splicing suggest that this variant may disrupt the consensus splice site, but this prediction has not been confirmed by published transcriptional studies. Loss-of-function variants in EXT1 are known to be pathogenic (PMID: 10679937, 11391482, 19810120). For these reasons, this variant has been classified as Pathogenic.

Literature cited by the submitters: PubMed 10679937; PubMed 11391482; PubMed 19810120.

NM_000127.3(EXT1):c.961A>T (p.Lys321Ter)

Gene: EXT1 (exostosin glycosyltransferase 1; minus strand). Cytogenetic location: 8q24.11.
Variant type: single nucleotide variant.
Coding change: c.961A>T on transcript NM_000127.3 (MANE Select); coding-DNA position 961, A replaced by T.
Protein change: p.Lys321Ter; replaces lysine 321 with a stop codon.
Molecular consequence: nonsense.
Genome position (GRCh38, 1-based): chr8:118,110,086, T>A on the plus strand (A>T on the coding strand, the complement: EXT1 is on the minus strand). VCF-style: chr8-118110086-T-A. GRCh37 (hg19) VCF-style: chr8-119122325-T-A.
Other names: short protein forms K321*.
Identifiers: ClinVar variation 935448 (VCV000935448.7), dbSNP rs1817866954, ClinGen allele CA371914654.